The following is an entry in ClinVar:

ClinVar aggregate classification (germline): Uncertain significance. Review status: criteria provided, multiple submitters, no conflicts (2 of 4 stars). 2 submissions from 2 submitters: Uncertain significance (2). Last evaluated 2025-03-26.

Conditions:
Hereditary cancer-predisposing syndrome. Also called: Tumor predisposition; Hereditary neoplastic syndrome; Neoplastic Syndromes, Hereditary; Hereditary Cancer Syndrome. Identifiers: Orphanet 140162, MedGen C0027672, MeSH D009386, MONDO:0015356.
EGFR-related lung cancer (EGFR). Identifiers: MedGen CN130014.

Submissions (2):

Ambry Genetics
Classification: Uncertain significance for Hereditary cancer-predisposing syndrome. Last evaluated: 2025-03-26. Review status: criteria provided, single submitter. Criteria: Ambry Variant Classification Scheme 2023. Collection method: clinical testing. Allele origin: germline.
Comment: The c.1920-3C>T intronic variant results from a C to T substitution 3 nucleotides upstream from coding exon 17 in the EGFR gene. This nucleotide position is highly conserved in available vertebrate species. In silico splice site analysis predicts that this alteration will not have any significant effect on splicing. Based on the available evidence, the clinical significance of this variant remains unclear.

Labcorp Genetics (formerly Invitae), Labcorp
Classification: Uncertain significance for EGFR-related lung cancer. Last evaluated: 2023-11-10. Review status: criteria provided, single submitter. Criteria: Invitae Variant Classification Sherloc (09022015). Collection method: clinical testing. Allele origin: germline.
Comment: This sequence change falls in intron 16 of the EGFR gene. It does not directly change the encoded amino acid sequence of the EGFR protein. It affects a nucleotide within the consensus splice site. This variant is not present in population databases (gnomAD no frequency). This variant has not been reported in the literature in individuals affected with EGFR-related conditions. ClinVar contains an entry for this variant (Variation ID: 1493359). Variants that disrupt the consensus splice site are a relatively common cause of aberrant splicing (PMID: 17576681, 9536098). Algorithms developed to predict the effect of sequence changes on RNA splicing suggest that this variant is not likely to affect RNA splicing. In summary, the available evidence is currently insufficient to determine the role of this variant in disease. Therefore, it has been classified as a Variant of Uncertain Significance.

Literature cited by the submitters: PubMed 17576681 (cited by Labcorp Genetics (formerly Invitae), Labcorp); PubMed 9536098 (cited by Labcorp Genetics (formerly Invitae), Labcorp).

NM_005228.5(EGFR):c.1920-3C>T

Gene: EGFR (epidermal growth factor receptor; plus strand). Cytogenetic location: 7p11.2.
Variant type: single nucleotide variant.
Coding change: c.1920-3C>T on transcript NM_005228.5 (MANE Select); 3 bases into the intron before coding-DNA position 1920, C replaced by T.
Molecular consequence: intron variant.
Genome position (GRCh38, 1-based): chr7:55,172,980, C>T. VCF-style: chr7-55172980-C-T. GRCh37 (hg19) VCF-style: chr7-55240673-C-T.
Other names: c.1920-3C>T (NM_005228.3, NM_001346898.2); c.1785-3C>T (NM_001346899.2, NM_001346897.2); c.1119-3C>T (NM_001346941.2); c.1761-3C>T (NM_001346900.2).
Identifiers: ClinVar variation 1493359 (VCV001493359.7), dbSNP rs966644136, ClinGen allele CA158930937.
Genomic context (GRCh38, chr7:55,172,980, plus strand): 5'-AGTGCCAAGGCCATGGAATCTGTCAGCAACCTCACCCTTCCTTGTTCCTCCACCTCATTC[C>T]AGGCCTAAGATCCCGTCCATCGCCACTGGGATGGTGGGGGCCCTCCTCTTGCTGCTGGTG-3'